The following is an entry in ClinVar:

ClinVar aggregate classification (germline): Likely pathogenic. Review status: criteria provided, multiple submitters, no conflicts (2 of 4 stars). 3 submissions from 3 submitters: Likely pathogenic (2). 1 of the submissions does not count toward it. Last evaluated 2025-12-19.

Conditions:
MVK-related disorder. Also called: MVK-related disorders; MVK-related condition. Identifiers: MedGen CN239294.
Hyperimmunoglobulin D with periodic fever (HIDS). Also called: HYPERIMMUNOGLOBULINEMIA D AND PERIODIC FEVER SYNDROME; Hyperimmunoglobulinemia D with periodic fever; Hyperimmunoglobulinemia D. Identifiers: Orphanet 343, MedGen C0398691, MONDO:0009849, OMIM 260920.
Mevalonic aciduria (MEVA). Identifiers: Orphanet 29, MedGen C1959626, MONDO:0012481, OMIM 610377.

Allele frequency attached by ClinVar (database versions not stated): gnomAD exomes below 0.00001.
gnomAD v4.1: 5 of 1,614,200 alleles (0.00031%); highest among the groups gnomAD compares: Non-Finnish European, 0.00042%; no homozygotes.

Submissions (3):

Women's Health and Genetics/Laboratory Corporation of America, LabCorp
Classification: Likely pathogenic for Mevalonic aciduria. Last evaluated: 2025-12-19. Review status: criteria provided, single submitter. Criteria: LabCorp Variant Classification Summary - May 2015. Collection method: clinical testing. Allele origin: germline.
Comment: Variant summary: MVK c.794T>G (p.Leu265Arg) results in a non-conservative amino acid change in the encoded protein sequence. Algorithms developed to predict the effect of missense changes on protein structure and function all suggest that this variant is likely to be disruptive. The variant was absent in 251452 control chromosomes. c.794T>G has been observed in individual(s) affected with Hyper-IgD periodic fever syndrome (example: Obici_2004, Gattorno_2009). These data indicate that the variant may be associated with disease. To our knowledge, no experimental evidence demonstrating an impact on protein function has been reported. The following publications have been ascertained in the context of this evaluation (PMID: 15457465, 19786432). ClinVar contains an entry for this variant (Variation ID: 97627). Based on the evidence outlined above, the variant was classified as likely pathogenic.

Blueprint Genetics
Classification: Likely pathogenic for MVK-related disorders. Last evaluated: 2018-01-11. Review status: criteria provided, single submitter. Criteria: ACMG Guidelines, 2015. Collection method: clinical testing. Allele origin: germline. Affected: yes. Observed: 1 variant allele.

Unité médicale des maladies autoinflammatoires, CHRU Montpellier
No classification provided. Condition: Hyperimmunoglobulin D with periodic fever. Review status: no classification provided. Collection method: not provided. Allele origin: unknown. Not counted in ClinVar's aggregate classification.
Comment: also involved in OMIM 25117

Literature cited by the submitters: PubMed 19786432 (cited by Women's Health and Genetics/Laboratory Corporation of America, LabCorp); PubMed 15457465 (cited by Women's Health and Genetics/Laboratory Corporation of America, LabCorp).

NM_000431.4(MVK):c.794T>G (p.Leu265Arg)

Gene: MVK (mevalonate kinase; plus strand). Cytogenetic location: 12q24.11.
Variant type: single nucleotide variant.
Coding change: c.794T>G on transcript NM_000431.4 (MANE Select); coding-DNA position 794, T replaced by G.
Protein change: p.Leu265Arg; replaces leucine 265 with arginine.
Molecular consequence: missense variant.
Genome position (GRCh38, 1-based): chr12:109,591,266, T>G. VCF-style: chr12-109591266-T-G. GRCh37 (hg19) VCF-style: chr12-110029071-T-G.
Other names: c.794T>G, p.Leu265Arg (NM_001114185.3); c.638T>G, p.Leu213Arg (NM_001301182.2); short protein forms L265R, L213R.
Identifiers: ClinVar variation 97627 (VCV000097627.4), dbSNP rs104895316, ClinGen allele CA149903.
Genomic context (GRCh38, chr12:109,591,266, plus strand): 5'-AGGCCTCACCAGCCGTTCCTTCTTTTTTTCTCCAGTTCCCAGAGATCGTGGCCCCCCTCC[T>G]GACCTCAATAGATGCCATCTCCCTGGAGTGTGAGCGCGTGCTGGGAGAGATGGGGGAAGC-3'
Protein context (NP_000422.1, residues 255-275): LKFPEIVAPL[Leu265Arg]TSIDAISLEC